The following is an entry in ClinVar:

ClinVar aggregate classification (germline): Uncertain significance (1 of 4 stars; one submission).

Conditions:
Familial cancer of breast. Also called: Hereditary breast cancer; BREAST CANCER, FAMILIAL; hereditary breast carcinoma. Identifiers: Orphanet 227535, MedGen C0346153, MONDO:0016419, OMIM 114480. Disease mechanism: loss of function.

Submission:

Labcorp Genetics (formerly Invitae), Labcorp
Classification: Uncertain significance for Familial cancer of breast. Last evaluated: 2016-12-21. Review status: criteria provided, single submitter. Criteria: Invitae Variant Classification Sherloc (09022015). Collection method: clinical testing. Allele origin: germline.
Comment: This variant is a gross duplication of the genomic region encompassing exons 5-15 of the CHEK2 gene. The 5' boundary is likely confined to the intronic region between exons 4 and 5. The 3' end of this event is unknown as it extends beyond the assayed region for this gene and therefore may encompass additional genes. This duplication has not been reported in the literature, and experimental studies investigating the role of this change on CHEK2 protein function have not been published. In summary, the 3' boundary and genomic location of this variant is unknown and the impact of this duplication on CHEK2 protein function has not been established. Therefore, it has been classified as a Variant of Unknown Significance.

NM_007194.3(CHEK2):c.593-?_*154dup1194

Gene: CHEK2 (checkpoint kinase 2; minus strand). Cytogenetic location: 22q12.1.
Variant type: Duplication.
Coding change: c.593-?_*154dup1194 on transcript NM_007194.3.
Identifiers: ClinVar variation 240748 (VCV000240748.2).